The following is an entry in ClinVar:

NM_001034853.2(RPGR):c.2743del (p.Glu915fs)

Gene: RPGR (retinitis pigmentosa GTPase regulator; minus strand). Cytogenetic location: Xp11.4.
Variant type: Deletion.
Coding change: c.2743del on transcript NM_001034853.2 (MANE Select); coding-DNA position 2743, one base deleted (G; older notation c.2743delG).
Protein change: p.Glu915fs; shifts the reading frame from glutamic acid 915.
Molecular consequence: frameshift variant. On other transcripts: intron variant (8).
Genome position (GRCh38, 1-based): chrX:38,286,256, C deleted on the plus strand (G on the coding strand, the reverse complement: RPGR is on the minus strand); the first of 2 consecutive C bases (chrX:38,286,256-38,286,257); deleting either gives the same sequence. VCF-style (leftmost placement, unchanged base first): chrX-38286255-TC-T. GRCh37 (hg19) VCF-style: chrX-38145508-TC-T.
Other names: c.1569+4703del (NM_001367249.1, NM_001367250.1); c.1902+838del (NM_001367245.1); c.1386+4703del (NM_001367251.1); c.1719+838del (NM_001367246.1); c.1572+4703del (NM_001367247.1); c.1905+838del (NM_000328.3); c.1602+4703del (NM_001367248.1); short protein forms E915fs.
Identifiers: ClinVar variation 3725561 (VCV003725561.2).
Genomic context (GRCh38, chrX:38,286,255, plus strand): 5'-TCCTCTTCCCCCTCCCCTTCTCCTTCCTCTCCTTCCTCCTCCCCTTTCCCTTCTCCTTCC[TC>T]CTCTTCTCCCTCCCCTTCTCCTTCCTCTTCTCCCTCCCCTTCTCCTTCCTCCTCTTCTCC-3'

ClinVar aggregate classification (germline): Pathogenic (1 of 4 stars; one submission).

Conditions:
Primary ciliary dyskinesia. Also called: Ciliary dyskinesia. Identifiers: Orphanet 244, MedGen C0008780, MONDO:0016575, HP:0012265.

Submission:

Labcorp Genetics (formerly Invitae), Labcorp
Classification: Pathogenic for Primary ciliary dyskinesia. Last evaluated: 2024-11-19. Review status: criteria provided, single submitter. Criteria: Invitae Variant Classification Sherloc (09022015). Collection method: clinical testing. Allele origin: germline.
Comment: This sequence change creates a premature translational stop signal (p.Glu915Argfs*174) in the RPGR (ORF15) gene. While this is not anticipated to result in nonsense mediated decay, it is expected to disrupt the last 238 amino acid(s) of the RPGR (ORF15) protein. This variant is not present in population databases (gnomAD no frequency). This variant has not been reported in the literature in individuals affected with RPGR (ORF15)-related conditions. This variant disrupts a region of the RPGR (ORF15) protein in which other variant(s) (p.Leu1130Lysfs*13) have been determined to be pathogenic (PMID: 22264887; internal data). This suggests that this is a clinically significant region of the protein, and that variants that disrupt it are likely to be disease-causing. For these reasons, this variant has been classified as Pathogenic.

Literature cited by the submitters: PubMed 22264887.